The following is an entry in ClinVar:

NM_001283009.2(RTEL1):c.1276C>T (p.His426Tyr)

Genes: RTEL1 (regulator of telomere elongation helicase 1; plus strand), RTEL1-TNFRSF6B (RTEL1-TNFRSF6B readthrough (NMD candidate); plus strand). Cytogenetic location: 20q13.33.
Variant type: single nucleotide variant.
Coding change: c.1276C>T on transcript NM_001283009.2 (MANE Select); coding-DNA position 1276, C replaced by T.
Protein change: p.His426Tyr; replaces histidine 426 with tyrosine.
Molecular consequence: missense variant. On other transcripts: non-coding transcript variant (1).
Genome position (GRCh38, 1-based): chr20:63,685,800, C>T. VCF-style: chr20-63685800-C-T. GRCh37 (hg19) VCF-style: chr20-62317153-C-T.
Other names: c.607C>T, p.His203Tyr (NM_001283010.1); c.1276C>T, p.His426Tyr (NM_016434.4); c.1348C>T, p.His450Tyr (NM_032957.5); short protein forms H203Y, H426Y, H450Y.
Identifiers: ClinVar variation 2930709 (VCV002930709.4), dbSNP rs1329875155, ClinGen allele CA409675939.
Genomic context (GRCh38, chr20:63,685,800, plus strand): 5'-GCCCCCAGGACATGGGCGGGGCCTCCACACTCCTGGTCCTGTCCCCTCCAGGTGCACATC[C>T]ATCCTGATGCTGGTCACCGGAGGACGGCTCAGCGGTCTGATGCCTGGAGCACCACTGCAG-3'
Protein context (NP_001269938.1, residues 416-436): GALQSYKVHI[His426Tyr]PDAGHRRTAQ

ClinVar aggregate classification (germline): Uncertain significance. Review status: criteria provided, multiple submitters, no conflicts (2 of 4 stars). 2 submissions from 2 submitters: Uncertain significance (2). Last evaluated 2025-05-24.

Conditions:
Dyskeratosis congenita, autosomal recessive 5 (DKCB5). Identifiers: MedGen C3554656, MONDO:0014076, OMIM 615190.
Pulmonary fibrosis and/or bone marrow failure, Telomere-related, 3. Also called: PULMONARY FIBROSIS AND/OR BONE MARROW FAILURE SYNDROME, TELOMERE-RELATED, 3. Identifiers: Orphanet 2032, MedGen C4225346, MONDO:0014613, OMIM 616373.
Inborn genetic diseases. Identifiers: MedGen C0950123, MeSH D030342.

Allele frequency attached by ClinVar (database versions not stated): gnomAD exomes below 0.00001; gnomAD 0.00001; TOPMed 0.00002.
gnomAD v4.1: 5 of 1,612,190 alleles (0.00031%); highest among the groups gnomAD compares: Non-Finnish European, 0.00042%; no homozygotes.

Submissions (2):

Ambry Genetics
Classification: Uncertain significance for Inborn genetic diseases. Last evaluated: 2025-05-24. Review status: criteria provided, single submitter. Criteria: Ambry Variant Classification Scheme 2023. Collection method: clinical testing. Allele origin: germline.
Comment: The p.H426Y variant (also known as c.1276C>T), located in coding exon 15 of the RTEL1 gene, results from a C to T substitution at nucleotide position 1276. The histidine at codon 426 is replaced by tyrosine, an amino acid with similar properties. This amino acid position is conserved. In addition, the in silico prediction for this alteration is inconclusive. Based on the available evidence, the clinical significance of this variant remains unclear.

Labcorp Genetics (formerly Invitae), Labcorp
Classification: Uncertain significance for Dyskeratosis congenita, autosomal recessive 5; Pulmonary fibrosis and/or bone marrow failure, Telomere-related, 3. Last evaluated: 2024-03-18. Review status: criteria provided, single submitter. Criteria: Invitae Variant Classification Sherloc (09022015). Collection method: clinical testing. Allele origin: germline.
Comment: This sequence change replaces histidine, which is basic and polar, with tyrosine, which is neutral and polar, at codon 426 of the RTEL1 protein (p.His426Tyr). This variant is present in population databases (no rsID available, gnomAD 0.007%). This variant has not been reported in the literature in individuals affected with RTEL1-related conditions. An algorithm developed to predict the effect of missense changes on protein structure and function (PolyPhen-2) suggests that this variant is likely to be tolerated. In summary, the available evidence is currently insufficient to determine the role of this variant in disease. Therefore, it has been classified as a Variant of Uncertain Significance.